The following is an entry in ClinVar:

NM_001792.5(CDH2):c.575C>G (p.Ser192Ter)

Gene: CDH2 (cadherin 2; minus strand). Cytogenetic location: 18q12.1.
Variant type: single nucleotide variant.
Coding change: c.575C>G on transcript NM_001792.5 (MANE Select); coding-DNA position 575, C replaced by G.
Protein change: p.Ser192Ter; replaces serine 192 with a stop codon.
Molecular consequence: nonsense.
Genome position (GRCh38, 1-based): chr18:28,009,844, G>C on the plus strand (C>G on the coding strand, the complement: CDH2 is on the minus strand). VCF-style: chr18-28009844-G-C. GRCh37 (hg19) VCF-style: chr18-25589808-G-C.
Other names: c.482C>G, p.Ser161Ter (NM_001308176.2); short protein forms S161*, S192*.
Identifiers: ClinVar variation 3830106 (VCV003830106.1).

ClinVar aggregate classification (germline): Uncertain significance (1 of 4 stars; one submission).

Conditions:
Inborn genetic diseases. Identifiers: MedGen C0950123, MeSH D030342.

Submission:

Ambry Genetics
Classification: Uncertain significance for Inborn genetic diseases. Last evaluated: 2025-03-11. Review status: criteria provided, single submitter. Criteria: Ambry Variant Classification Scheme 2023. Collection method: clinical testing. Allele origin: germline.
Comment: The c.575C>G (p.S192*) alteration, located in exon 5 (coding exon 5) of the CDH2 gene, consists of a C to G substitution at nucleotide position 575. This changes the amino acid from a serine (S) to a stop codon at amino acid position 192. This alteration is expected to result in premature protein truncation or nonsense-mediated mRNA decay. However, loss of function of CDH2 has not been established as a mechanism of disease. This variant was not reported in population-based cohorts in the Genome Aggregation Database (gnomAD). Based on insufficient or conflicting evidence, the clinical significance of this alteration remains unclear.